The following is an entry in ClinVar:

ClinVar aggregate classification (germline): Conflicting classifications of pathogenicity. Review status: criteria provided, conflicting classifications (1 of 4 stars). 3 submissions from 3 submitters: Uncertain significance (2); Likely benign (1). Last evaluated 2025-08-01.

Conditions:
Cardiovascular phenotype. Identifiers: MedGen CN230736.
Aortic valve disease 2 (AOVD2). Identifiers: MedGen C3542024, MONDO:0013902, OMIM 614823.

Allele frequency attached by ClinVar (database versions not stated): gnomAD exomes 0.00002 and 0.00009; ExAC 0.00012; TOPMed 0.00014; gnomAD 0.00015; ESP Exome Variant Server 0.00023; 1000 Genomes Project 30x 0.00047; 1000 Genomes Project 0.00060.

Submissions (3):

Ambry Genetics
Classification: Uncertain significance for Cardiovascular phenotype. Last evaluated: 2025-08-01. Review status: criteria provided, single submitter. Criteria: Ambry Variant Classification Scheme 2023. Collection method: clinical testing. Allele origin: germline.

GeneDx
Classification: Uncertain significance. Last evaluated: 2025-02-26. Review status: criteria provided, single submitter. Criteria: GeneDx Variant Classification Process June 2021. Collection method: clinical testing. Allele origin: germline. Affected: yes.
Comment: In silico analysis indicates that this missense variant does not alter protein structure/function; Has not been previously published as pathogenic or benign to our knowledge; This variant is associated with the following publications: (PMID: 37602788)

Labcorp Genetics (formerly Invitae), Labcorp
Classification: Likely benign for Aortic valve disease 2. Last evaluated: 2024-06-23. Review status: criteria provided, single submitter. Criteria: Invitae Variant Classification Sherloc (09022015). Collection method: clinical testing. Allele origin: germline.

NM_181486.4(TBX5):c.1381G>A (p.Val461Met)

Gene: TBX5 (T-box transcription factor 5; minus strand). Cytogenetic location: 12q24.21.
Variant type: single nucleotide variant.
Coding change: c.1381G>A on transcript NM_181486.4 (MANE Select); coding-DNA position 1381, G replaced by A.
Protein change: p.Val461Met; replaces valine 461 with methionine.
Molecular consequence: missense variant.
Genome position (GRCh38, 1-based): chr12:114,355,708, C>T on the plus strand (G>A on the coding strand, the complement: TBX5 is on the minus strand). VCF-style: chr12-114355708-C-T. GRCh37 (hg19) VCF-style: chr12-114793513-C-T.
Other names: c.1381G>A, p.Val461Met (NM_000192.3); c.1231G>A, p.Val411Met (NM_080717.4); short protein forms V411M, V461M.
Identifiers: ClinVar variation 1578780 (VCV001578780.11), dbSNP rs201152128, ClinGen allele CA6809349.